The following is an entry in ClinVar:

NM_003072.5(SMARCA4):c.4174A>G (p.Ile1392Val)

Gene: SMARCA4 (SWI/SNF related BAF chromatin remodeling complex subunit ATPase 4; plus strand). Cytogenetic location: 19p13.2.
Variant type: single nucleotide variant.
Coding change: c.4174A>G on transcript NM_003072.5 (MANE Select); coding-DNA position 4174, A replaced by G.
Protein change: p.Ile1392Val; replaces isoleucine 1392 with valine.
Molecular consequence: missense variant. On other transcripts: non-coding transcript variant (1).
Genome position (GRCh38, 1-based): chr19:11,041,310, A>G. VCF-style: chr19-11041310-A-G. GRCh37 (hg19) VCF-style: chr19-11151986-A-G.
Other names: c.4174A>G, p.Ile1392Val (NM_001128844.3); c.4084A>G, p.Ile1362Val (NM_001128845.2, NM_001128846.2); c.4075A>G, p.Ile1359Val (NM_001128847.4, NM_001128848.2, NM_001374457.1); c.4270A>G, p.Ile1424Val (NM_001128849.3, NM_001387283.1); c.4171A>G, p.Ile1391Val (NM_001411150.1); short protein forms I1359V, I1391V, I1424V, I1362V, I1392V.
Identifiers: ClinVar variation 1739260 (VCV001739260.7), dbSNP rs1248866763, ClinGen allele CA404072689.

ClinVar aggregate classification (germline): Uncertain significance. Review status: criteria provided, multiple submitters, no conflicts (2 of 4 stars). 2 submissions from 2 submitters: Uncertain significance (2). Last evaluated 2023-01-10.

Conditions:
Hereditary cancer-predisposing syndrome. Also called: Hereditary Cancer Syndrome; Hereditary neoplastic syndrome; Neoplastic Syndromes, Hereditary; Tumor predisposition. Identifiers: Orphanet 140162, MedGen C0027672, MeSH D009386, MONDO:0015356.
Rhabdoid tumor predisposition syndrome 2 (RTPS2). Identifiers: Orphanet 231108, Orphanet 69077, MedGen C2750074, MONDO:0013224, OMIM 613325.

Allele frequency attached by ClinVar (database versions not stated): TOPMed below 0.00001.

Submissions (2):

Labcorp Genetics (formerly Invitae), Labcorp
Classification: Uncertain significance for Rhabdoid tumor predisposition syndrome 2. Last evaluated: 2023-01-10. Review status: criteria provided, single submitter. Criteria: Invitae Variant Classification Sherloc (09022015). Collection method: clinical testing. Allele origin: germline.
Comment: In summary, the available evidence is currently insufficient to determine the role of this variant in disease. Therefore, it has been classified as a Variant of Uncertain Significance. Advanced modeling of protein sequence and biophysical properties (such as structural, functional, and spatial information, amino acid conservation, physicochemical variation, residue mobility, and thermodynamic stability) has been performed at Invitae for this missense variant, however the output from this modeling did not meet the statistical confidence thresholds required to predict the impact of this variant on SMARCA4 protein function. ClinVar contains an entry for this variant (Variation ID: 1739260). This variant has not been reported in the literature in individuals affected with SMARCA4-related conditions. This variant is not present in population databases (gnomAD no frequency). This sequence change replaces isoleucine, which is neutral and non-polar, with valine, which is neutral and non-polar, at codon 1424 of the SMARCA4 protein (p.Ile1424Val).

Ambry Genetics
Classification: Uncertain significance for Hereditary cancer-predisposing syndrome. Last evaluated: 2022-06-08. Review status: criteria provided, single submitter. Criteria: Ambry Variant Classification Scheme 2023. Collection method: clinical testing. Allele origin: germline.
Comment: The p.I1424V variant (also known as c.4270A>G), located in coding exon 30 of the SMARCA4 gene, results from an A to G substitution at nucleotide position 4270. The isoleucine at codon 1424 is replaced by valine, an amino acid with highly similar properties. This amino acid position is highly conserved in available vertebrate species. In addition, the in silico prediction for this alteration is inconclusive. Missense and in-frame variants in SMARCA4 are known to cause neurodevelopmental disorders; however, such associations with rhabdoid tumor predisposition syndrome including small cell carcinoma of the ovary-hypercalcemic type (SCCOHT) are exceedingly rare (Kosho T et al. Am J Med Genet C Semin Med Genet. 2014 Sep;166C(3):262-75; Jelinic P et al. Nat Genet. 2014 May;46(5):424-6). Based on the supporting evidence, the association of this alteration with Coffin-Siris syndrome is unknown; however, the association of this alteration with rhabdoid tumor predisposition syndrome is unlikely.